The following is an entry in ClinVar:

NM_001122681.2(SH3BP2):c.*42C>T

Gene: SH3BP2 (SH3 domain binding protein 2; plus strand). Cytogenetic location: 4p16.3.
Variant type: single nucleotide variant.
Coding change: c.*42C>T on transcript NM_001122681.2 (MANE Select); 42 bases downstream of the stop codon, C replaced by T.
Molecular consequence: 3 prime UTR variant.
Genome position (GRCh38, 1-based): chr4:2,833,876, C>T. VCF-style: chr4-2833876-C-T. GRCh37 (hg19) VCF-style: chr4-2835603-C-T.
Other names: c.*42C>T (LRG_1334t2, LRG_1334t1, NM_001145855.2 and 2 more transcripts).
Identifiers: ClinVar variation 348595 (VCV000348595.8), dbSNP rs115443380, ClinGen allele CA2819665.

ClinVar aggregate classification (germline): Benign. Review status: criteria provided, multiple submitters, no conflicts (2 of 4 stars). 3 submissions from 3 submitters: Benign (3). Last evaluated 2021-05-22.

Conditions:
Fibrous dysplasia of jaw (CRBM). Also called: Cherubism. Identifiers: Orphanet 184, MedGen C0008029, MONDO:0007315, OMIM 118400.

Allele frequency attached by ClinVar (database versions not stated): gnomAD exomes 0.00284 and 0.00770; ExAC 0.01582; gnomAD 0.03094 and 0.03322; ESP Exome Variant Server 0.03275; 1000 Genomes Project 0.03395; TOPMed 0.03532; 1000 Genomes Project 30x 0.03638.
gnomAD v4.1: 8,860 of 1,531,066 alleles (0.58%); highest among the groups gnomAD compares: African/African-American, 11%; 447 homozygotes.

Submissions (3):

GeneDx
Classification: Benign. Last evaluated: 2021-05-22. Review status: criteria provided, single submitter. Criteria: GeneDx Variant Classification Process June 2021. Collection method: clinical testing. Allele origin: germline. Affected: yes.

Illumina Laboratory Services, Illumina
Classification: Benign for Fibrous dysplasia of jaw. Last evaluated: 2018-01-13. Review status: criteria provided, single submitter. Criteria: ICSL Variant Classification Criteria 13 December 2019. Collection method: clinical testing. Allele origin: germline.
Comment: This variant was observed in the ICSL laboratory as part of a predisposition screen in an ostensibly healthy population. It had not been previously curated by ICSL or reported in the Human Gene Mutation Database (HGMD: prior to June 1st, 2018), and was therefore a candidate for classification through an automated scoring system. Utilizing variant allele frequency, disease prevalence and penetrance estimates, and inheritance mode, an automated score was calculated to assess if this variant is too frequent to cause the disease. Based on the score and internal cut-off values, a variant classified as benign is not then subjected to further curation. The score for this variant resulted in a classification of benign for this disease.

Breakthrough Genomics
Classification: Benign. Review status: criteria provided, single submitter. Criteria: ACMG Guidelines, 2015. Collection method: not provided. Allele origin: germline. Inheritance: Autosomal dominant inheritance. Affected: yes.